The following is an entry in ClinVar:

ClinVar aggregate classification (germline): Uncertain significance (1 of 4 stars; one submission).

Conditions:
Meckel-Gruber syndrome. Also called: DYSENCEPHALIA SPLANCHNOCYSTICA; GRUBER SYNDROME; Dysencephalia splachnocystica. Identifiers: Orphanet 564, MedGen C0265215, MONDO:0018921.
Joubert syndrome. Also called: CEREBELLOPARENCHYMAL DISORDER IV; JOUBERT-BOLTSHAUSER SYNDROME; Familial aplasia of the vermis. Identifiers: Orphanet 475, MedGen C5979921, MONDO:0018772.

Submission:

Labcorp Genetics (formerly Invitae), Labcorp
Classification: Uncertain significance for Joubert syndrome; Meckel-Gruber syndrome. Last evaluated: 2022-09-06. Review status: criteria provided, single submitter. Criteria: Invitae Variant Classification Sherloc (09022015). Collection method: clinical testing. Allele origin: germline.
Comment: This sequence change replaces cysteine, which is neutral and slightly polar, with serine, which is neutral and polar, at codon 78 of the TCTN1 protein (p.Cys78Ser). This variant is not present in population databases (gnomAD no frequency). In summary, the available evidence is currently insufficient to determine the role of this variant in disease. Therefore, it has been classified as a Variant of Uncertain Significance. Algorithms developed to predict the effect of missense changes on protein structure and function (SIFT, PolyPhen-2, Align-GVGD) all suggest that this variant is likely to be disruptive. ClinVar contains an entry for this variant (Variation ID: 1446129). This variant has not been reported in the literature in individuals affected with TCTN1-related conditions.

NM_001082538.3(TCTN1):c.233G>C (p.Cys78Ser)

Gene: TCTN1 (tectonic family member 1; plus strand). Cytogenetic location: 12q24.11.
Variant type: single nucleotide variant.
Coding change: c.233G>C on transcript NM_001082538.3 (MANE Select); coding-DNA position 233, G replaced by C.
Protein change: p.Cys78Ser; replaces cysteine 78 with serine.
Molecular consequence: missense variant. On other transcripts: 5 prime UTR variant (1), non-coding transcript variant (1).
Genome position (GRCh38, 1-based): chr12:110,619,848, G>C. VCF-style: chr12-110619848-G-C. GRCh37 (hg19) VCF-style: chr12-111057653-G-C.
Other names: c.233G>C, p.Cys78Ser (NM_001082537.3, NM_001319680.2, NM_024549.6); c.65G>C, p.Cys22Ser (NM_001173975.3, NM_001319682.3); c.53G>C, p.Cys18Ser (NM_001173976.2); c.-475G>C (NM_001319681.2); short protein forms C18S, C22S, C78S.
Identifiers: ClinVar variation 1446129 (VCV001446129.8), dbSNP rs760047850, ClinGen allele CA386701238.
Genomic context (GRCh38, chr12:110,619,848, plus strand): 5'-CACCTGCTGATGGTGATGTTCTGGATCCTACCCCTCTTTTTTCTGCAGTTGCTGTTCTCT[G>C]TGTCTGTGACTTATCCCCAGCACAGTGTGACATCAACTGCTGCTGTGATCCCGACTGCAG-3'
Protein context (NP_001076007.1, residues 68-88): PTPVTDVAVL[Cys78Ser]VCDLSPAQCD